The following is an entry in ClinVar:

NM_025137.4(SPG11):c.101C>G (p.Pro34Arg)

Gene: SPG11 (SPG11 vesicle trafficking associated, spatacsin; minus strand). Cytogenetic location: 15q21.1.
Variant type: single nucleotide variant.
Coding change: c.101C>G on transcript NM_025137.4 (MANE Select); coding-DNA position 101, C replaced by G.
Protein change: p.Pro34Arg; replaces proline 34 with arginine.
Molecular consequence: missense variant.
Genome position (GRCh38, 1-based): chr15:44,663,547, G>C on the plus strand (C>G on the coding strand, the complement: SPG11 is on the minus strand). VCF-style: chr15-44663547-G-C. GRCh37 (hg19) VCF-style: chr15-44955745-G-C.
Other names: c.101C>G, p.Pro34Arg (NM_001160227.2, NM_001411132.1); short protein forms P34R.
Identifiers: ClinVar variation 4713643 (VCV004713643.1).

ClinVar aggregate classification (germline): Uncertain significance (1 of 4 stars; one submission).

Conditions:
Hereditary spastic paraplegia 11. Also called: SPASTIC PARAPLEGIA, AUTOSOMAL RECESSIVE, COMPLICATED, WITH THIN CORPUS CALLOSUM; SPASTIC PARAPLEGIA, AUTOSOMAL RECESSIVE, WITH MENTAL IMPAIRMENT AND THIN CORPUS CALLOSUM; Spastic Paraplegia 11; Nakamura Osame syndrome; Autosomal recessive hereditary spastic paraplegia, mental impairment, and thin corpus callosum; Spastic paraplegia, mental retardation and thin corpus callosum. Identifiers: Orphanet 2822, MedGen C1858479, MONDO:0011445, OMIM 604360.

Submission:

Labcorp Genetics (formerly Invitae), Labcorp
Classification: Uncertain significance for Hereditary spastic paraplegia 11. Last evaluated: 2025-02-27. Review status: criteria provided, single submitter. Criteria: Invitae Variant Classification Sherloc (09022015). Collection method: clinical testing. Allele origin: germline.
Comment: This sequence change replaces proline, which is neutral and non-polar, with arginine, which is basic and polar, at codon 34 of the SPG11 protein (p.Pro34Arg). This variant is not present in population databases (gnomAD no frequency). This variant has not been reported in the literature in individuals affected with SPG11-related conditions. An algorithm developed to predict the effect of missense changes on protein structure and function (PolyPhen-2) suggests that this variant is likely to be disruptive. In summary, the available evidence is currently insufficient to determine the role of this variant in disease. Therefore, it has been classified as a Variant of Uncertain Significance.